The following continues an entry in ClinVar:

NM_000038.6(APC):c.3920T>A (p.Ile1307Lys)

Gene: APC. ClinVar aggregate classification (germline): Conflicting classifications of pathogenicity; association; risk factor. Pathogenic (6); Likely pathogenic (9); Pathogenic, low penetrance (1); Established risk allele (6); Uncertain significance (12).

Submissions 14 to 23 of 60:

Quest Diagnostics Nichols Institute San Juan Capistrano
Classification: Pathogenic. Last evaluated: 2024-01-18. Review status: criteria provided, single submitter. Criteria: Quest Diagnostics criteria. Collection method: clinical testing. Allele origin: unknown.
Comment: The APC c.3920T>A (p.Ile1307Lys) variant has been reported in the published literature in 6%-7% of Ashkenazi Jewish individuals with a much higher frequency found in cohorts of Ashkenazi Jewish individuals with a history of colorectal cancer and/or polyps (PMIDs: 11159880 (2001), 10938175 (2000), 9288102 (1997)). This variant is reported as a risk factor for colorectal neoplasia (PMIDs: 33193653 (2020), 31444830 (2020), 30152102 (2018), 29506128 (2018), 26421687 (2016), 26314409 (2016), 23896379 (2013), see also LOVD-InSiGHT). The risk of colorectal cancer for Ashkenazi Jewish carriers of the APC p.Ile1307Lys variant is reported to be approximately twice that of the general population (PMID: 23576677 (2013)). While this variant has been associated with a moderately increased risk of colorectal cancer, it is important to note that the p.Ile1307Lys variant does not cause classic Familial Adenomatous Polyposis (FAP).

St. Jude Molecular Pathology, St. Jude Children's Research Hospital
Classification: Pathogenic for Familial adenomatous polyposis 1. Last evaluated: 2023-12-24. Review status: criteria provided, single submitter. Criteria: St. Jude Assertion Criteria 2020. Collection method: clinical testing. Allele origin: germline.
Comment: The APC c.3920T>A (p.Ile1307Lys) missense change has a maximum founder subpopulation frequency of 3.6% and a maximum non-founder subpopulation frequency of 0.07% in gnomAD v2.1.1. The in silico tool REVEL predicts a benign effect on protein function, but to our knowledge this prediction has not been confirmed by functional studies. This variant affects a conserved residue located in the critical β-catenin binding domain. This variant is associated with an elevated risk (OR 1.7-1.8) of developing colorectal cancer in the Ashkenazi Jewish population (PMID: 37076288). Risks to other populations are not well established. This variant is not known to be associated with polyposis. In summary, this variant is classified as pathogenic with evidence indicating lower penetrance according to International Society for Gastrointestinal Hereditary Tumours (InSiGHT; PMID: 37076288).

ARUP Laboratories, Molecular Genetics and Genomics, ARUP Laboratories
Classification: Established risk allele. Last evaluated: 2023-12-19. Review status: criteria provided, single submitter. Criteria: ARUP Molecular Germline Variant Investigation Process 2021. Collection method: curation. Allele origin: germline.
Comment: The APC c.3920T>A; p.Ile1307Lys variant (rs1801155) has been reported extensively in the literature, and is listed in ClinVar (Variation ID: 822). One recent meta-analysis of 30 published population studies, all of which examined the association between p.Ile1307Lys and colorectal neoplasia, colorectal adenoma, and/or colorectal cancer, concluded that this variant confers a two-fold increased risk of developing a colorectal neoplasia to persons of Ashkenazi Jewish ancestry (Liang 2013 and references therein). However, the risk in other populations is unclear. Additionally, this variant is observed in the general population at an overall frequency of 0.19% (524/282418 alleles, including 7 homozygotes) in the Genome Aggregation Database. Due to the high frequency in the general population, this variant is considered likely benign for most populations, but confers an increased risk of cancer in individuals of Ashkenazi Jewish ancestry. References: Liang et al. APC polymorphisms and the risk of colorectal neoplasia: a HuGE review and meta-analysis. Am J Epidemiol. 2013 177(11):1169-1179. PMID: 23576677.

KCCC/NGS Laboratory, Kuwait Cancer Control Center
Classification: Uncertain significance for Familial adenomatous polyposis 1. Last evaluated: 2023-07-07. Review status: criteria provided, single submitter. Criteria: ACMG Guidelines, 2015. Collection method: clinical testing. Allele origin: unknown. Affected: yes.
Comment: This sequence change replaces Isoleucine with Lysine at codon 1307 of the APC protein. The isoleucine residue is mildly conserved among species and is located in a known functional domain of the protein. There is a big physiochemical difference between isoleucine and lysine (Grantham Score 102). This variant is listed in population databases (rs1801155, ExAC 0.3) and is a common finding in individuals of Ashkenazi (~6-10%) and Sephardic Jewish decent (~3%; PMID: 9288102, 23896379). APC c.3920T>A (p.Ile1307Lys, also known as I1307K) has been associated with colorectal cancer. This variant has been observed in multiple ethnic backgrounds with highest frequencies in individuals of Ashkenazi Jewish ancestry and is present in ClinVar (ID: 822). Several large studies have showed increased risk for developing colorectal cancer in Ashkenazi Jewish population. However, the cancer risk remains unknown in individuals of non-Jewish descent. In summary, this variant is an established risk factor for colorectal cancer in Ashkenazi Jewish populations and variant of uncertain significance in other populations.

New York Genome Center
Classification: Established risk allele for Familial adenomatous polyposis 1. Last evaluated: 2023-05-26. Review status: criteria provided, single submitter. Criteria: NYGC Assertion Criteria 2020. Collection method: clinical testing. Allele origin: inherited, germline. Observed: 14 heterozygotes. Clinical features observed: Joint hypermobility (HP:0001388), Velopharyngeal insufficiency (HP:0000220), Hypernasal speech (HP:0001611), Cardiomyopathy (HP:0001638), Hyperlipidemia (HP:0003077), Type 2 diabetes mellitus (HP:0005978), Diabetes mellitus (HP:0000819), Hepatic steatosis (HP:0001397), Atrial fibrillation (HP:0005110), Attention deficit hyperactivity disorder (HP:0007018), Seizure (HP:0001250), Focal impaired awareness seizure (HP:0002384), and 18 more. Study: CSER-NYCKidSeq.
Comment: The c.3920T>A p.(Ile1307Lys) variant identified in APC is a common variant with ~3.5% minor allele frequency in individuals of Ashkenazi Jewish ancestry (gnomAD v2.1 and v3.1.2). The variant affects a conserved residue located in beta-catening binding domain and changes the (A)3(T)(A)4 sequence element into an extended tract of adenosine nucleotides (A8) which might predispose to slippage of polymerase during DNA replication and confer increased propensity for somatic truncating mutations on the allele [PMID: 37076288]. It has been reported that individuals of Ashkenazi Jewish ancestry who carry the p.(Ile1307Lys) variant are 1.7-2.17 times more likely to develop colorectal neoplasia compared to non-carrier individuals [PMID: 23896379, 23576677, 12173321], hence this variant is classified as a risk allele for colorectal neoplasia in the Ashkenazi Jewish population.

Neuberg Centre For Genomic Medicine, NCGM
Classification: Uncertain significance for Colorectal cancer. Last evaluated: 2023-05-20. Review status: criteria provided, single submitter. Criteria: ACMG Guidelines, 2015. Collection method: clinical testing. Allele origin: germline. Inheritance: Autosomal dominant inheritance. Affected: yes.
Comment: The observed missense variant c.3920T>A (p.Ile1307Lys) in APC gene has been reported previously in heterozygous state in multiple individuals affected with Colorectal cancer (Breen KE et al. 2022; Long JM et al. 2022). The p.Ile1307Lys variant has allele frequency 0.2% in gnomAD Exomes. This variant has been submitted to the ClinVar database as Likely Benign / Uncertain Significance / Risk factor / Established risk allele / Likely pathogenic / Pathogenic (multiple submiters). Multiple lines of computational evidence (Polyphen - Benign, SIFT -Tolerated and Mutation Taster - Disease causing) predicts conflicting evidence on protein structure and function for this variant. The amino acid change p.Ile1307Lys in APC is predicted as conserved by GERP++ and PhyloP across 100 vertebrates. The amino acid Ile at position 1307 is changed to a Lys changing protein sequence and it might alter its composition and physico-chemical properties. Functional studies related to this variant is unclear, the variant is enriched in patients with colorectal cancer in Ashkenazi Jewish population (Boursi B et al. 2013). For these reasons, this variant has been classified as a Pathogenic variant which acts as a risk factor for the development of colorectal cancer.

Institute for Genomic Medicine (IGM) Clinical Laboratory, Nationwide Children's Hospital
Classification: Uncertain significance for Familial adenomatous polyposis 1. Last evaluated: 2023-03-08. Review status: criteria provided, single submitter. Criteria: ACMG Guidelines, 2015. Collection method: clinical testing. Allele origin: germline.
Comment: This variant has been shown to segregate with disease in multiple affected family members (ACMG/AMP: PP1; PMID:9288102). This variant has an allele frequency that is greater than expected for the associated disease (ACMG/AMP: BS1). This variant results in a missense alteration in a gene for which primarily truncating variants are known to cause disease (ACMG/AMP: BP1). This variant is predicted to be tolerated by multiple in silico tools (ACMG/AMP: BP4).

AiLife Diagnostics
Classification: Likely pathogenic. Last evaluated: 2022-01-09. Review status: criteria provided, single submitter. Criteria: ACMG Guidelines, 2015. Collection method: clinical testing. Allele origin: germline. Affected: yes. Observed: 2 variant alleles.

Sema4
Classification: Pathogenic for Hereditary cancer-predisposing syndrome. Last evaluated: 2021-12-25. Review status: criteria provided, single submitter. Criteria: Sema4 Curation Guidelines. Collection method: curation. Allele origin: germline.
Comment: The APC c.3920T>A (p.I1307K) variant is a common and well-known pathogenic variant associated with moderate risk for colorectal cancer. This variant has been identified in 3.6% of the Ashkenazi Jewish population by the Genome Aggregation Database (gnomAD), including 7 homozygotes (PMID: 32461654). Large meta-analyses have shown that individuals of Ashkenazi Jewish ancestry carrying this variant have a more than 2-fold increased risk of developing colorectal cancer but did not show any increased risk of developing colorectal cancer in other populations (PMID: 16228836, 23576677). This variant does not appear to affect protein function (PMID: 14633595) but was shown to indirectly cause a cancer predisposition by creating a small hypermutable region that is prone to somatic changes (PMID: 9288102). Based on the current evidence available, this variant was interpreted as a moderate risk pathogenic variant.

Institute for Clinical Genetics, University Hospital TU Dresden, University Hospital TU Dresden
Classification: Uncertain significance. Last evaluated: 2021-11-03. Review status: criteria provided, single submitter. Criteria: ACMG Guidelines, 2015. Collection method: clinical testing. Allele origin: germline.